The following is an entry in ClinVar:

ClinVar aggregate classification (germline): Uncertain significance (1 of 4 stars; one submission).

Submission:

Labcorp Genetics (formerly Invitae), Labcorp
Classification: Uncertain significance. Last evaluated: 2023-05-16. Review status: criteria provided, single submitter. Criteria: Invitae Variant Classification Sherloc (09022015). Collection method: clinical testing. Allele origin: germline.
Comment: This sequence change replaces alanine, which is neutral and non-polar, with threonine, which is neutral and polar, at codon 281 of the FGFR3 protein (p.Ala281Thr). This variant is not present in population databases (gnomAD no frequency). This variant has not been reported in the literature in individuals affected with FGFR3-related conditions. ClinVar contains an entry for this variant (Variation ID: 2187391). Advanced modeling of protein sequence and biophysical properties (such as structural, functional, and spatial information, amino acid conservation, physicochemical variation, residue mobility, and thermodynamic stability) has been performed at Invitae for this missense variant, however the output from this modeling did not meet the statistical confidence thresholds required to predict the impact of this variant on FGFR3 protein function. In summary, the available evidence is currently insufficient to determine the role of this variant in disease. Therefore, it has been classified as a Variant of Uncertain Significance.

NM_000142.5(FGFR3):c.841G>A (p.Ala281Thr)

Gene: FGFR3 (fibroblast growth factor receptor 3; plus strand). Cytogenetic location: 4p16.3.
Variant type: single nucleotide variant.
Coding change: c.841G>A on transcript NM_000142.5 (MANE Select); coding-DNA position 841, G replaced by A.
Protein change: p.Ala281Thr; replaces alanine 281 with threonine.
Molecular consequence: missense variant. On other transcripts: non-coding transcript variant (1).
Genome position (GRCh38, 1-based): chr4:1,801,936, G>A. VCF-style: chr4-1801936-G-A. GRCh37 (hg19) VCF-style: chr4-1803663-G-A.
Other names: c.841G>A, p.Ala281Thr (NM_001163213.2, NM_001354809.2, NM_001354810.2 and 1 more transcripts); short protein forms A281T.
Identifiers: ClinVar variation 2187391 (VCV002187391.4), dbSNP rs1721242460, ClinGen allele CA355976395.